The following is an entry in ClinVar:

NM_144997.7(FLCN):c.946_947del (p.Ser316fs)

Gene: FLCN (folliculin; minus strand). Cytogenetic location: 17p11.2.
Variant type: Microsatellite.
Coding change: c.946_947del on transcript NM_144997.7 (MANE Select); coding-DNA positions 946 to 947, 2 bases deleted (AG; older notation c.946_947delAG).
Protein change: p.Ser316fs; shifts the reading frame from serine 316.
Molecular consequence: frameshift variant.
Genome position (GRCh38, 1-based): chr17:17,219,134-17,219,135, CT deleted on the plus strand (AG on the coding strand, the reverse complement: FLCN is on the minus strand); deleting any 2 consecutive bases within chr17:17,219,134-17,219,139 gives the same sequence; the c. name uses the placement nearest the transcript's 3' end. VCF-style (leftmost placement, unchanged base first): chr17-17219133-ACT-A. GRCh37 (hg19) VCF-style: chr17-17122447-ACT-A.
Other names: c.1000_1001del, p.Ser334fs (NM_001353229.2); c.946_947del, p.Ser316fs (NM_001353230.2, NM_001353231.2); c.946_947delAG (NM_144997.7); short protein forms S316fs, S334fs.
Identifiers: ClinVar variation 662576 (VCV000662576.10), dbSNP rs1597591875, ClinGen allele CA915949601.

ClinVar aggregate classification (germline): Pathogenic. Review status: criteria provided, multiple submitters, no conflicts (2 of 4 stars). 6 submissions from 6 submitters: Pathogenic (5). 1 of the submissions does not count toward it. Last evaluated 2025-11-14.

Conditions:
Birt-Hogg-Dube syndrome 1 (BHD1). Also called: FIBROFOLLICULOMAS WITH TRICHODISCOMAS AND ACROCHORDONS. Identifiers: Orphanet 122, MedGen CN375946, MONDO:0800445, OMIM 135150.
Hereditary cancer-predisposing syndrome. Also called: Neoplastic Syndromes, Hereditary; Hereditary neoplastic syndrome; Tumor predisposition; Hereditary Cancer Syndrome. Identifiers: Orphanet 140162, MedGen C0027672, MeSH D009386, MONDO:0015356.
Birt-Hogg-Dube syndrome. Also called: Birt Hogg Dubé syndrome. Identifiers: Orphanet 122, MedGen C0346010, MONDO:0800444.

Submissions (6):

Labcorp Genetics (formerly Invitae), Labcorp
Classification: Pathogenic for Birt-Hogg-Dube syndrome. Last evaluated: 2025-11-14. Review status: criteria provided, single submitter. Criteria: Invitae Variant Classification Sherloc (09022015). Collection method: clinical testing. Allele origin: germline.
Comment: This sequence change creates a premature translational stop signal (p.Ser316Tyrfs*73) in the FLCN gene. It is expected to result in an absent or disrupted protein product. Loss-of-function variants in FLCN are known to be pathogenic (PMID: 15852235). This variant is not present in population databases (gnomAD no frequency). This premature translational stop signal has been observed in individual(s) with Birt–Hogg–Dubé syndrome and primary spontaneous pneumothorax (PMID: 27229674, 28069055, 28558743). For these reasons, this variant has been classified as Pathogenic.

Myriad Genetics, Inc.
Classification: Pathogenic for Birt-Hogg-Dube syndrome 1. Last evaluated: 2024-08-20. Review status: criteria provided, single submitter. Criteria: Myriad Autosomal Dominant, Autosomal Recessive and X-Linked Classification Criteria (2023). Collection method: clinical testing. Allele origin: unknown.
Comment: This variant is considered pathogenic. This variant creates a frameshift predicted to result in premature protein truncation.

Molecular Pathology, Peter Maccallum Cancer Centre
Classification: Pathogenic for Birt-Hogg-Dube syndrome 1. Last evaluated: 2024-07-25. Review status: criteria provided, single submitter. Criteria: ACMG Guidelines, 2015. Collection method: clinical testing. Allele origin: germline. Inheritance: Autosomal dominant inheritance.

Ambry Genetics
Classification: Pathogenic for Hereditary cancer-predisposing syndrome. Last evaluated: 2024-05-01. Review status: criteria provided, single submitter. Criteria: Ambry Variant Classification Scheme 2023. Collection method: clinical testing. Allele origin: germline.
Comment: The c.946_947delAG pathogenic mutation, located in coding exon 6 of the FLCN gene, results from a deletion of two nucleotides at nucleotide positions 946 to 947, causing a translational frameshift with a predicted alternate stop codon (p.S316Yfs*73). This variant was reported in multiple individuals with features consistent with Birt-Hogg-Dube syndrome (Li T et al. Chin J Cancer. 2017 Jan;36:4; Liu Y et al. Orphanet J Rare Dis. 2017 May;12:104; Ren S et al. Medicine (Baltimore). 2021 Dec;100:e28380). This variant is considered to be rare based on population cohorts in the Genome Aggregation Database (gnomAD). This alteration is expected to result in loss of function by premature protein truncation or nonsense-mediated mRNA decay. As such, this alteration is interpreted as a disease-causing mutation.

Genetics and Molecular Pathology, SA Pathology
Classification: Pathogenic for Birt-Hogg-Dube syndrome 1. Last evaluated: 2023-01-11. Review status: criteria provided, single submitter. Criteria: ACMG Guidelines, 2015. Collection method: clinical testing. Allele origin: germline. Inheritance: Autosomal dominant inheritance. Affected: yes.
Comment: The FLCN c.946_947del variant is classified as Pathogenic (PVS1, PS4-moderate, PM2) This FLCN c.946_947del variant is located in exon 9/14 and is predicted to cause a shift in the reading frame at codon 316, introducing a premature termination codon 73 amino acids downstream (PVS1). The variant has been reported in two unrelated individuals with Birt-Hogg- Dubé syndrome (PMID: 28558743, 34941164 ), and two other unrelated individuals with a presentation of pneumothorax/suspected Birt-Hogg- Dubé syndrome (PMID: 28069055, 27229674) (PS4-moderate). This variant is absent from population databases (PM2). The variant has been reported in dbSNP (rs1597591875) and in the HGMD database: CD166847. It has been reported as Pathogenic by other diagnostic laboratories (ClinVar Variation ID: 662576).

Division of Respiratory Medicine of Juntendo University, Juntendo University Faculty of Medicine and Graduate School of Medicine
Classification: Pathogenic for Birt-Hogg-Dube syndrome 1. Last evaluated: 2023-07-01. Review status: no assertion criteria provided. Collection method: clinical testing. Allele origin: germline. Affected: yes. Not counted in ClinVar's aggregate classification.

Literature cited by the submitters: PubMed 15852235 (cited by Labcorp Genetics (formerly Invitae), Labcorp); PubMed 27229674 (cited by Labcorp Genetics (formerly Invitae), Labcorp and Genetics and Molecular Pathology, SA Pathology); PubMed 28069055 (cited by 3 submitters); PubMed 28558743 (cited by 3 submitters); PubMed 34941164 (cited by Ambry Genetics and Genetics and Molecular Pathology, SA Pathology).